The following is an entry in ClinVar:

NM_002448.3(MSX1):c.97C>G (p.Pro33Ala)

Genes: MSX1 (msh homeobox 1; plus strand), LOC129992137 (ATAC-STARR-seq lymphoblastoid silent region 15219; plus strand). Cytogenetic location: 4p16.2.
Variant type: single nucleotide variant.
Coding change: c.97C>G on transcript NM_002448.3 (MANE Select); coding-DNA position 97, C replaced by G.
Protein change: p.Pro33Ala; replaces proline 33 with alanine.
Molecular consequence: missense variant.
Genome position (GRCh38, 1-based): chr4:4,859,996, C>G. VCF-style: chr4-4859996-C-G. GRCh37 (hg19) VCF-style: chr4-4861723-C-G.
Other names: short protein forms P33A.
Identifiers: ClinVar variation 4809033 (VCV004809033.2).

ClinVar aggregate classification (germline): Uncertain significance. Review status: criteria provided, multiple submitters, no conflicts (2 of 4 stars). 2 submissions from 2 submitters: Uncertain significance (2). Last evaluated 2026-09-04.

Conditions:
MSX1-related disorder. Also called: MSX1-related condition.
Hypoplastic enamel-onycholysis-hypohidrosis syndrome (TNS). Also called: Tooth-and-Nail Syndrome; ECTODERMAL DYSPLASIA 3, WITKOP TYPE; WITKOP SYNDROME; NAIL DYSPLASIA WITH HYPODONTIA; ECTODERMAL DYSPLASIA 3, TOOTH/NAIL TYPE. Identifiers: Orphanet 2228, MedGen C0406735, MONDO:0008582, OMIM 189500.

Submissions (2):

PreventionGenetics, part of Exact Sciences
Classification: Uncertain significance for MSX1-related condition. Last evaluated: 2026-09-04. Review status: criteria provided, single submitter. Criteria: ACMG Guidelines, 2015. Collection method: clinical testing. Allele origin: germline.
Comment: The MSX1 c.97C>G variant is predicted to result in the amino acid substitution p.Pro33Ala. To our knowledge, this variant has not been reported in the literature. This variant is reported in 0.023% of alleles in individuals of Latino descent in gnomAD. At this time, the clinical significance of this variant is uncertain due to the absence of conclusive functional and genetic evidence.

Labcorp Genetics (formerly Invitae), Labcorp
Classification: Uncertain significance for Hypoplastic enamel-onycholysis-hypohidrosis syndrome. Last evaluated: 2025-01-29. Review status: criteria provided, single submitter. Criteria: Invitae Variant Classification Sherloc (09022015). Collection method: clinical testing. Allele origin: germline.
Comment: This sequence change replaces proline, which is neutral and non-polar, with alanine, which is neutral and non-polar, at codon 33 of the MSX1 protein (p.Pro33Ala). The frequency data for this variant in the population databases is considered unreliable, as metrics indicate poor data quality at this position in the gnomAD database. This variant has not been reported in the literature in individuals affected with MSX1-related conditions. An algorithm developed to predict the effect of missense changes on protein structure and function (PolyPhen-2) suggests that this variant is likely to be tolerated. In summary, the available evidence is currently insufficient to determine the role of this variant in disease. Therefore, it has been classified as a Variant of Uncertain Significance.